The following is an entry in ClinVar:

NM_001136157.2(OTUD5):c.1460C>T (p.Ala487Val)

Gene: OTUD5 (OTU deubiquitinase 5; minus strand). Cytogenetic location: Xp11.23.
Variant type: single nucleotide variant.
Coding change: c.1460C>T on transcript NM_001136157.2 (MANE Select); coding-DNA position 1460, C replaced by T.
Protein change: p.Ala487Val; replaces alanine 487 with valine.
Molecular consequence: missense variant.
Genome position (GRCh38, 1-based): chrX:48,923,856, G>A on the plus strand (C>T on the coding strand, the complement: OTUD5 is on the minus strand). VCF-style: chrX-48923856-G-A. GRCh37 (hg19) VCF-style: chrX-48781133-G-A.
Other names: c.1460C>T, p.Ala487Val (NM_001136158.2); c.809C>T, p.Ala270Val (NM_001136159.2); c.1475C>T, p.Ala492Val (NM_017602.4); short protein forms A270V, A487V, A492V.
Identifiers: ClinVar variation 2428947 (VCV002428947.3), dbSNP rs367931579, ClinGen allele CA10406472.

ClinVar aggregate classification (germline): Uncertain significance. Review status: criteria provided, multiple submitters, no conflicts (2 of 4 stars). 2 submissions from 2 submitters: Uncertain significance (2). Last evaluated 2026-05-14.

Conditions:
Inborn genetic diseases. Identifiers: MedGen C0950123, MeSH D030342.

Allele frequency attached by ClinVar (database versions not stated): ExAC 0.00001; gnomAD 0.00001; TOPMed 0.00001; ESP Exome Variant Server 0.00009.
gnomAD v4.1: 1 of 1,209,786 alleles (0.000083%); highest among the groups gnomAD compares: Non-Finnish European, 0.00011%; no homozygotes.

Submissions (2):

Ambry Genetics
Classification: Uncertain significance for Inborn genetic diseases. Last evaluated: 2026-05-14. Review status: criteria provided, single submitter. Criteria: Ambry Variant Classification Scheme 2023. Collection method: clinical testing. Allele origin: germline.

GeneDx
Classification: Uncertain significance. Last evaluated: 2022-07-31. Review status: criteria provided, single submitter. Criteria: GeneDx Variant Classification Process June 2021. Collection method: clinical testing. Allele origin: germline. Affected: yes.
Comment: Not observed at significant frequency in large population cohorts (gnomAD); In silico analysis supports that this missense variant does not alter protein structure/function; Has not been previously published as pathogenic or benign to our knowledge